The following is an entry in ClinVar:

ClinVar aggregate classification (germline): Uncertain significance. Review status: criteria provided, multiple submitters, no conflicts (2 of 4 stars). 2 submissions from 2 submitters: Uncertain significance (2). Last evaluated 2024-12-25.

Conditions:
Microcephaly 5, primary, autosomal recessive (MCPH5). Also called: ASPM Primary Microcephaly. Identifiers: Orphanet 2512, MedGen C1837501, MONDO:0012106, OMIM 608716.
Inborn genetic diseases. Identifiers: MedGen C0950123, MeSH D030342.

gnomAD v4.1: 24 of 1,612,526 alleles (0.0015%); highest among the groups gnomAD compares: Admixed American, 0.0067%; no homozygotes.

Submissions (2):

Ambry Genetics
Classification: Uncertain significance for Inborn genetic diseases. Last evaluated: 2024-12-25. Review status: criteria provided, single submitter. Criteria: Ambry Variant Classification Scheme 2023. Collection method: clinical testing. Allele origin: germline.

Juno Genomics, Hangzhou Juno Genomics, Inc
Classification: Uncertain significance for Microcephaly 5, primary, autosomal recessive. Review status: criteria provided, single submitter. Criteria: ACMG Guidelines, 2015. Collection method: clinical testing. Allele origin: germline.
Comment: Absent from controls (or at extremely low frequency if recessive) in Genome Aggregation Database.;Multiple lines of computational evidence support a deleterious effect on the gene or gene product.

NM_018136.5(ASPM):c.7325G>A (p.Arg2442Gln)

Gene: ASPM (assembly factor for spindle microtubules; minus strand). Cytogenetic location: 1q31.3.
Variant type: single nucleotide variant.
Coding change: c.7325G>A on transcript NM_018136.5 (MANE Select); coding-DNA position 7325, G replaced by A.
Protein change: p.Arg2442Gln; replaces arginine 2442 with glutamine.
Molecular consequence: missense variant. On other transcripts: intron variant (1).
Genome position (GRCh38, 1-based): chr1:197,101,926, C>T on the plus strand (G>A on the coding strand, the complement: ASPM is on the minus strand). VCF-style: chr1-197101926-C-T. GRCh37 (hg19) VCF-style: chr1-197071056-C-T.
Other names: c.4066-5762G>A (NM_001206846.2); short protein forms R2442Q.
Identifiers: ClinVar variation 3790237 (VCV003790237.3).
Genomic context (GRCh38, chr1:197,101,926, plus strand): 5'-ATGGCTGCCTTTCTTAAGTGCAAGAATTGGTACAATTTATGTTTGGCACAAATGGTGGCT[C>T]GATATTTCCTCTGAACAAAAATAGTAGCTTTTTTGAGGGAAATGAATCTTCTCCTCACCA-3'
Protein context (NP_060606.3, residues 2432-2452): KATIFVQRKY[Arg2442Gln]ATICAKHKLY